The following is an entry in ClinVar:

NM_000059.4(BRCA2):c.9795C>G (p.Cys3265Trp)

Gene: BRCA2 (BRCA2 DNA repair associated; plus strand). Cytogenetic location: 13q13.1.
Variant type: single nucleotide variant.
Coding change: c.9795C>G on transcript NM_000059.4 (MANE Select); coding-DNA position 9795, C replaced by G.
Protein change: p.Cys3265Trp; replaces cysteine 3265 with tryptophan.
Molecular consequence: missense variant.
Genome position (GRCh38, 1-based): chr13:32,398,308, C>G. VCF-style: chr13-32398308-C-G. GRCh37 (hg19) VCF-style: chr13-32972445-C-G.
Other names: short protein forms C3265W.
Identifiers: ClinVar variation 230825 (VCV000230825.5), dbSNP rs876658795, ClinGen allele CA10579846.
Genomic context (GRCh38, chr13:32,398,308, plus strand): 5'-AGCCCAGATGACTTCAAAGTCTTGTAAAGGGGAGAAAGAGATTGATGACCAAAAGAACTG[C>G]AAAAAGAGAAGAGCCTTGGATTTCTTGAGTAGACTGCCTTTACCTCCACCTGTTAGTCCC-3'
Protein context (NP_000050.3, residues 3255-3275): GEKEIDDQKN[Cys3265Trp]KKRRALDFLS

ClinVar aggregate classification (germline): Uncertain significance (1 of 4 stars; one submission).

Conditions:
Hereditary cancer-predisposing syndrome. Also called: Neoplastic Syndromes, Hereditary; Tumor predisposition; Hereditary Cancer Syndrome; Hereditary neoplastic syndrome. Identifiers: Orphanet 140162, MedGen C0027672, MeSH D009386, MONDO:0015356.

Submission:

Ambry Genetics
Classification: Uncertain significance for Hereditary cancer-predisposing syndrome. Last evaluated: 2015-03-09. Review status: criteria provided, single submitter. Criteria: Ambry Variant Classification Scheme 2023. Collection method: clinical testing. Allele origin: germline.
Comment: The p.C3265W variant (also known as c.9795C>G and 10023C>G), located in coding exon 26 of the BRCA2 gene, results from a C to G substitution at nucleotide position 9795. The cysteine at codon 3265 is replaced by tryptophan, an amino acid with highly dissimilar properties. This variant was not reported in population based cohorts in the following databases: Database of Single Nucleotide Polymorphisms (dbSNP), NHLBI Exome Sequencing Project (ESP), and 1000 Genomes Project. In the ESP, this variant was not observed in 6503 samples (13006 alleles) with coverage at this position. To date, this alteration has been detected with an allele frequency of approximately 0.001% (greater than 105,000 alleles tested) in our clinical cohort. This amino acid position is somewhat well conserved in available vertebrate species. In addition, this alteration is predicted to be tolerated by in silico analysis. Since supporting evidence is limited at this time, the clinical significance of p.C3265W remains unclear.